The following is an entry in ClinVar:

ClinVar aggregate classification (germline): Uncertain significance. Review status: criteria provided, multiple submitters, no conflicts (2 of 4 stars). 3 submissions from 3 submitters: Uncertain significance (3). Last evaluated 2026-07-21.

Conditions:
Inborn genetic diseases. Identifiers: MedGen C0950123, MeSH D030342.

Allele frequency attached by ClinVar (database versions not stated): gnomAD 0.00001; ESP Exome Variant Server 0.00008.
gnomAD v4.1: 74 of 1,614,020 alleles (0.0046%); highest among the groups gnomAD compares: Non-Finnish European, 0.0059%; no homozygotes.

Submissions (3):

GeneDx
Classification: Uncertain significance. Last evaluated: 2026-07-21. Review status: criteria provided, single submitter. Criteria: GeneDx Variant Classification Process June 2021. Collection method: clinical testing. Allele origin: germline.
Comment: In silico analysis suggests that this missense variant does not alter protein structure/function; Has not been previously published as pathogenic or benign to our knowledge

Labcorp Genetics (formerly Invitae), Labcorp
Classification: Uncertain significance. Last evaluated: 2025-05-20. Review status: criteria provided, single submitter. Criteria: Invitae Variant Classification Sherloc (09022015). Collection method: clinical testing. Allele origin: germline.
Comment: This sequence change replaces threonine, which is neutral and polar, with asparagine, which is neutral and polar, at codon 199 of the GRHL2 protein (p.Thr199Asn). This variant is present in population databases (rs371212649, gnomAD 0.01%). This variant has not been reported in the literature in individuals affected with GRHL2-related conditions. ClinVar contains an entry for this variant (Variation ID: 2907837). Invitae Evidence Modeling of protein sequence and biophysical properties (such as structural, functional, and spatial information, amino acid conservation, physicochemical variation, residue mobility, and thermodynamic stability) indicates that this missense variant is not expected to disrupt GRHL2 protein function with a negative predictive value of 80%. In summary, the available evidence is currently insufficient to determine the role of this variant in disease. Therefore, it has been classified as a Variant of Uncertain Significance.

Ambry Genetics
Classification: Uncertain significance for Inborn genetic diseases. Last evaluated: 2024-11-24. Review status: criteria provided, single submitter. Criteria: Ambry Variant Classification Scheme 2023. Collection method: clinical testing. Allele origin: germline.

NM_024915.4(GRHL2):c.596C>A (p.Thr199Asn)

Gene: GRHL2 (grainyhead like transcription factor 2; plus strand). Cytogenetic location: 8q22.3.
Variant type: single nucleotide variant.
Coding change: c.596C>A on transcript NM_024915.4 (MANE Select); coding-DNA position 596, C replaced by A.
Protein change: p.Thr199Asn; replaces threonine 199 with asparagine.
Molecular consequence: missense variant.
Genome position (GRCh38, 1-based): chr8:101,558,730, C>A. VCF-style: chr8-101558730-C-A. GRCh37 (hg19) VCF-style: chr8-102570958-C-A.
Other names: c.596C>A (NM_024915.3); c.548C>A, p.Thr183Asn (NM_001330593.2); short protein forms T183N, T199N.
Identifiers: ClinVar variation 2907837 (VCV002907837.6), dbSNP rs371212649, ClinGen allele CA4830324.